The following is an entry in ClinVar:

NM_177438.3(DICER1):c.4877T>C (p.Val1626Ala)

Gene: DICER1 (dicer 1, ribonuclease III; minus strand). Cytogenetic location: 14q32.13.
Variant type: single nucleotide variant.
Coding change: c.4877T>C on transcript NM_177438.3 (MANE Select); coding-DNA position 4877, T replaced by C.
Protein change: p.Val1626Ala; replaces valine 1626 with alanine.
Molecular consequence: missense variant.
Genome position (GRCh38, 1-based): chr14:95,096,043, A>G on the plus strand (T>C on the coding strand, the complement: DICER1 is on the minus strand). VCF-style: chr14-95096043-A-G. GRCh37 (hg19) VCF-style: chr14-95562380-A-G.
Other names: c.4877T>C (NM_177438.2); c.4877T>C, p.Val1626Ala (NM_001195573.1, NM_001271282.3, NM_001291628.2 and 1 more transcripts); short protein forms V1626A.
Identifiers: ClinVar variation 1039045 (VCV001039045.11), dbSNP rs777737447, ClinGen allele CA7330781.

ClinVar aggregate classification (germline): Conflicting classifications of pathogenicity. Review status: criteria provided, conflicting classifications (1 of 4 stars). 2 submissions from 2 submitters: Uncertain significance (1); Likely benign (1). Last evaluated 2024-04-29.

Conditions:
DICER1-related tumor predisposition. Also called: DICER1 syndrome; DICER1-related pleuropulmonary blastoma cancer predisposition syndrome. Identifiers: Orphanet 284343, MedGen C3839822, MONDO:0100216.
Hereditary cancer-predisposing syndrome. Also called: Neoplastic Syndromes, Hereditary; Hereditary Cancer Syndrome; Tumor predisposition; Hereditary neoplastic syndrome. Identifiers: Orphanet 140162, MedGen C0027672, MeSH D009386, MONDO:0015356.

Allele frequency attached by ClinVar (database versions not stated): gnomAD exomes below 0.00001; ExAC 0.00001.

Submissions (2):

Labcorp Genetics (formerly Invitae), Labcorp
Classification: Uncertain significance for DICER1-related tumor predisposition. Last evaluated: 2024-04-29. Review status: criteria provided, single submitter. Criteria: Invitae Variant Classification Sherloc (09022015). Collection method: clinical testing. Allele origin: germline.
Comment: This sequence change replaces valine, which is neutral and non-polar, with alanine, which is neutral and non-polar, at codon 1626 of the DICER1 protein (p.Val1626Ala). This variant is present in population databases (rs777737447, gnomAD 0.003%). This variant has not been reported in the literature in individuals affected with DICER1-related conditions. ClinVar contains an entry for this variant (Variation ID: 1039045). Algorithms developed to predict the effect of missense changes on protein structure and function output the following: SIFT: "Not Available"; PolyPhen-2: "Benign"; Align-GVGD: "Not Available". The alanine amino acid residue is found in multiple mammalian species, which suggests that this missense change does not adversely affect protein function. In summary, the available evidence is currently insufficient to determine the role of this variant in disease. Therefore, it has been classified as a Variant of Uncertain Significance.

Ambry Genetics
Classification: Likely benign for Hereditary cancer-predisposing syndrome. Last evaluated: 2023-06-24. Review status: criteria provided, single submitter. Criteria: Ambry Variant Classification Scheme 2023. Collection method: clinical testing. Allele origin: germline.